The following is an entry in ClinVar:

ClinVar aggregate classification (germline): Uncertain significance (1 of 4 stars; one submission).

Submission:

Labcorp Genetics (formerly Invitae), Labcorp
Classification: Uncertain significance. Last evaluated: 2023-04-06. Review status: criteria provided, single submitter. Criteria: Invitae Variant Classification Sherloc (09022015). Collection method: clinical testing. Allele origin: germline.
Comment: This sequence change replaces aspartic acid, which is acidic and polar, with asparagine, which is neutral and polar, at codon 832 of the IGF1R protein (p.Asp832Asn). This variant is not present in population databases (gnomAD no frequency). This variant has not been reported in the literature in individuals affected with IGF1R-related conditions. Advanced modeling of protein sequence and biophysical properties (such as structural, functional, and spatial information, amino acid conservation, physicochemical variation, residue mobility, and thermodynamic stability) performed at Invitae indicates that this missense variant is expected to disrupt IGF1R protein function. In summary, the available evidence is currently insufficient to determine the role of this variant in disease. Therefore, it has been classified as a Variant of Uncertain Significance.

NM_000875.5(IGF1R):c.2494G>A (p.Asp832Asn)

Gene: IGF1R (insulin like growth factor 1 receptor; plus strand). Cytogenetic location: 15q26.3.
Variant type: single nucleotide variant.
Coding change: c.2494G>A on transcript NM_000875.5 (MANE Select); coding-DNA position 2494, G replaced by A.
Protein change: p.Asp832Asn; replaces aspartic acid 832 with asparagine.
Molecular consequence: missense variant.
Genome position (GRCh38, 1-based): chr15:98,923,884, G>A. VCF-style: chr15-98923884-G-A. GRCh37 (hg19) VCF-style: chr15-99467113-G-A.
Other names: c.2494G>A, p.Asp832Asn (NM_001291858.2); short protein forms D832N.
Identifiers: ClinVar variation 2852792 (VCV002852792.3), dbSNP rs2506037828, ClinGen allele CA393681514.